The following is an entry in ClinVar:

ClinVar aggregate classification (germline): Uncertain significance. Review status: criteria provided, multiple submitters, no conflicts (2 of 4 stars). 3 submissions from 3 submitters: Uncertain significance (3). Last evaluated 2024-06-11.

Conditions:
Primary hyperoxaluria type 3. Also called: PH III. Identifiers: Orphanet 416, Orphanet 93600, MedGen C3150878, MONDO:0013327, OMIM 613616. Disease mechanism: loss of function.
Inborn genetic diseases. Identifiers: MedGen C0950123, MeSH D030342.

Allele frequency attached by ClinVar (database versions not stated): gnomAD exomes 0.00001; ExAC 0.00002; ESP Exome Variant Server 0.00008; gnomAD 0.00012; TOPMed 0.00019.
gnomAD v4.1: 39 of 1,614,084 alleles (0.0024%); highest among the groups gnomAD compares: Admixed American, 0.038%; no homozygotes.

Submissions (3):

Fulgent Genetics
Classification: Uncertain significance for Primary hyperoxaluria type 3. Last evaluated: 2024-06-11. Review status: criteria provided, single submitter. Criteria: ACMG Guidelines, 2015. Collection method: clinical testing. Allele origin: germline.

Rare Kidney Stone Consortium and the Mayo Clinic Hyperoxaluria Center, Mayo Clinic
Classification: Uncertain significance for Primary hyperoxaluria type 3. Last evaluated: 2023-10-27. Review status: criteria provided, single submitter. Criteria: ACMG Guidelines, 2015. Collection method: curation. Allele origin: germline.
Comment: ACMG:PP3 BP1

Ambry Genetics
Classification: Uncertain significance for Inborn genetic diseases. Last evaluated: 2021-10-06. Review status: criteria provided, single submitter. Criteria: Ambry Variant Classification Scheme 2023. Collection method: clinical testing. Allele origin: germline.

Literature cited by the submitters: PubMed 25644115 (cited by Rare Kidney Stone Consortium and the Mayo Clinic Hyperoxaluria Center, Mayo Clinic).

NM_138413.4(HOGA1):c.541G>C (p.Asp181His)

Gene: HOGA1 (4-hydroxy-2-oxoglutarate aldolase 1; plus strand). Cytogenetic location: 10q24.2.
Variant type: single nucleotide variant.
Coding change: c.541G>C on transcript NM_138413.4 (MANE Select); coding-DNA position 541, G replaced by C.
Protein change: p.Asp181His; replaces aspartic acid 181 with histidine.
Molecular consequence: missense variant. On other transcripts: intron variant (1).
Genome position (GRCh38, 1-based): chr10:97,599,752, G>C. VCF-style: chr10-97599752-G-C. GRCh37 (hg19) VCF-style: chr10-99359509-G-C.
Other names: c.212-2105G>C (NM_001134670.2); c.541G>C (NM_138413.3); short protein forms D181H.
Identifiers: ClinVar variation 2664094 (VCV002664094.3), dbSNP rs148621526, ClinGen allele CA5634151.